The following is an entry in ClinVar:

ClinVar aggregate classification (germline): Uncertain significance (1 of 4 stars; one submission).

gnomAD v4.1: 128 of 1,613,238 alleles (0.0079%); highest among the groups gnomAD compares: Non-Finnish European, 0.011%; no homozygotes.

Submission:

Labcorp Genetics (formerly Invitae), Labcorp
Classification: Uncertain significance. Last evaluated: 2024-11-27. Review status: criteria provided, single submitter. Criteria: Invitae Variant Classification Sherloc (09022015). Collection method: clinical testing. Allele origin: germline.
Comment: This sequence change falls in intron 3 of the FAT2 gene. It does not directly change the encoded amino acid sequence of the FAT2 protein. It affects a nucleotide within the consensus splice site. This variant is present in population databases (rs375988819, gnomAD 0.007%). This variant has not been reported in the literature in individuals affected with FAT2-related conditions. Variants that disrupt the consensus splice site are a relatively common cause of aberrant splicing (PMID: 17576681, 9536098). Algorithms developed to predict the effect of sequence changes on RNA splicing suggest that this variant is not likely to affect RNA splicing. In summary, the available evidence is currently insufficient to determine the role of this variant in disease. Therefore, it has been classified as a Variant of Uncertain Significance.

Literature cited by the submitters: PubMed 17576681; PubMed 9536098.

NM_001447.3(FAT2):c.3633+4A>C

Gene: FAT2 (FAT atypical cadherin 2; minus strand). Cytogenetic location: 5q33.1.
Variant type: single nucleotide variant.
Coding change: c.3633+4A>C on transcript NM_001447.3 (MANE Select); 4 bases into the intron after coding-DNA position 3633, A replaced by C.
Molecular consequence: intron variant.
Genome position (GRCh38, 1-based): chr5:151,556,340, T>G on the plus strand (A>C on the coding strand, the complement: FAT2 is on the minus strand). VCF-style: chr5-151556340-T-G. GRCh37 (hg19) VCF-style: chr5-150935901-T-G.
Identifiers: ClinVar variation 3626052 (VCV003626052.2).